The following is an entry in ClinVar:

NM_007118.4(TRIO):c.4235A>C (p.His1412Pro)

Gene: TRIO (trio Rho guanine nucleotide exchange factor; plus strand). Cytogenetic location: 5p15.2.
Variant type: single nucleotide variant.
Coding change: c.4235A>C on transcript NM_007118.4 (MANE Select); coding-DNA position 4235, A replaced by C.
Protein change: p.His1412Pro; replaces histidine 1412 with proline.
Molecular consequence: missense variant. On other transcripts: non-coding transcript variant (1).
Genome position (GRCh38, 1-based): chr5:14,394,054, A>C. VCF-style: chr5-14394054-A-C. GRCh37 (hg19) VCF-style: chr5-14394163-A-C.
Other names: short protein forms H1412P.
Identifiers: ClinVar variation 4530721 (VCV004530721.1).

ClinVar aggregate classification (germline): Uncertain significance (1 of 4 stars; one submission).

Submission:

GeneDx
Classification: Uncertain significance. Last evaluated: 2025-05-22. Review status: criteria provided, single submitter. Criteria: GeneDx Variant Classification Process June 2021. Collection method: clinical testing. Allele origin: germline. Affected: yes.
Comment: Not observed at significant frequency in large population cohorts (gnomAD); In silico analysis supports that this missense variant has a deleterious effect on protein structure/function; Has not been previously published as pathogenic or benign to our knowledge